The following is an entry in ClinVar:

NM_000540.3(RYR1):c.124G>A (p.Gly42Ser)

Gene: RYR1 (ryanodine receptor 1; plus strand). Cytogenetic location: 19q13.2.
Variant type: single nucleotide variant.
Coding change: c.124G>A on transcript NM_000540.3 (MANE Select); coding-DNA position 124, G replaced by A.
Protein change: p.Gly42Ser; replaces glycine 42 with serine.
Molecular consequence: missense variant.
Genome position (GRCh38, 1-based): chr19:38,440,823, G>A. VCF-style: chr19-38440823-G-A. GRCh37 (hg19) VCF-style: chr19-38931463-G-A.
Other names: c.124G>A, p.Gly42Ser (NM_001042723.2); short protein forms G42S.
Identifiers: ClinVar variation 2435630 (VCV002435630.7), dbSNP rs759417601, ClinGen allele CA059039.

ClinVar aggregate classification (germline): Uncertain significance. Review status: criteria provided, multiple submitters, no conflicts (2 of 4 stars). 4 submissions from 4 submitters: Uncertain significance (4). Last evaluated 2024-12-05.

Conditions:
RYR1-related disorder. Also called: RYR1-related disorders; RYR1-related condition. Identifiers: MedGen CN239331.

Allele frequency attached by ClinVar (database versions not stated): gnomAD 0.00001; TOPMed 0.00001; ExAC 0.00003.
gnomAD v4.1: 45 of 1,610,056 alleles (0.0028%); highest among the groups gnomAD compares: Admixed American, 0.0067%; no homozygotes.

Submissions (4):

Labcorp Genetics (formerly Invitae), Labcorp
Classification: Uncertain significance for RYR1-related disorder. Last evaluated: 2024-12-05. Review status: criteria provided, single submitter. Criteria: Invitae Variant Classification Sherloc (09022015). Collection method: clinical testing. Allele origin: germline.
Comment: This sequence change replaces glycine, which is neutral and non-polar, with serine, which is neutral and polar, at codon 42 of the RYR1 protein (p.Gly42Ser). This variant is present in population databases (rs759417601, gnomAD 0.02%). This variant has not been reported in the literature in individuals affected with RYR1-related conditions. ClinVar contains an entry for this variant (Variation ID: 2435630). Invitae Evidence Modeling of protein sequence and biophysical properties (such as structural, functional, and spatial information, amino acid conservation, physicochemical variation, residue mobility, and thermodynamic stability) indicates that this missense variant is expected to disrupt RYR1 protein function with a positive predictive value of 95%. In summary, the available evidence is currently insufficient to determine the role of this variant in disease. Therefore, it has been classified as a Variant of Uncertain Significance.

Blueprint Genetics
Classification: Uncertain significance. Last evaluated: 2024-06-26. Review status: criteria provided, single submitter. Criteria: ACMG Guidelines, 2015. Collection method: clinical testing. Allele origin: germline.

GeneDx
Classification: Uncertain significance. Last evaluated: 2024-06-12. Review status: criteria provided, single submitter. Criteria: GeneDx Variant Classification Process June 2021. Collection method: clinical testing. Allele origin: germline. Affected: yes.
Comment: Not observed at significant frequency in large population cohorts (gnomAD); In silico analysis supports that this missense variant has a deleterious effect on protein structure/function; Has not been previously published as pathogenic or benign to our knowledge; This variant is associated with the following publications: (PMID: 33767344)

Revvity Omics, Revvity
Classification: Uncertain significance. Last evaluated: 2024-06-06. Review status: criteria provided, single submitter. Criteria: ACMG Guidelines, 2015. Collection method: clinical testing. Allele origin: germline.